The following is an entry in ClinVar:

NM_172366.4(FBXO16):c.60C>T (p.Ser20=)

Gene: FBXO16 (F-box protein 16; minus strand). Cytogenetic location: 8p21.1.
Variant type: single nucleotide variant.
Coding change: c.60C>T on transcript NM_172366.4 (MANE Select); coding-DNA position 60, C replaced by T.
Protein change: p.Ser20=; no amino-acid change (serine 20 retained).
Molecular consequence: synonymous variant.
Genome position (GRCh38, 1-based): chr8:28,483,387, G>A on the plus strand (C>T on the coding strand, the complement: FBXO16 is on the minus strand). VCF-style: chr8-28483387-G-A. GRCh37 (hg19) VCF-style: chr8-28340904-G-A.
Other names: c.60C>T, p.Ser20= (NM_001258211.2).
Identifiers: ClinVar variation 3234307 (VCV003234307.20), dbSNP rs565801668, ClinGen allele CA460164824.

ClinVar aggregate classification (germline): Likely benign (1 of 4 stars; one submission).

Allele frequency attached by ClinVar (database versions not stated): gnomAD exomes below 0.00001.

Submission:

CeGaT Center for Human Genetics Tuebingen
Classification: Likely benign. Last evaluated: 2026-05-01. Review status: criteria provided, single submitter. Criteria: CeGaT Center For Human Genetics Tuebingen Variant Classification Criteria Version 2. Collection method: clinical testing. Allele origin: germline. Affected: yes. Observed: 3 variant alleles.
Comment: FBXO16: BP4, BP7